The following is an entry in ClinVar:

NM_001009944.3(PKD1):c.9992dup (p.Val3332fs)

Gene: PKD1 (polycystin 1, transient receptor potential channel interacting; minus strand). Cytogenetic location: 16p13.3.
Variant type: Duplication.
Coding change: c.9992dup on transcript NM_001009944.3 (MANE Select); coding-DNA position 9992, one base duplicated (T; older notation c.9992dupT).
Protein change: p.Val3332fs; shifts the reading frame from valine 3332.
Molecular consequence: frameshift variant.
Genome position (GRCh38, 1-based): chr16:2,099,702, A duplicated on the plus strand (T on the coding strand, the reverse complement: PKD1 is on the minus strand). VCF-style (leftmost placement, unchanged base first): chr16-2099701-C-CA. GRCh37 (hg19) VCF-style: chr16-2149702-C-CA.
Other names: c.9992dup, p.Val3332fs (NM_000296.4); short protein forms V3332fs.
Identifiers: ClinVar variation 3384005 (VCV003384005.1).

ClinVar aggregate classification (germline): Pathogenic (1 of 4 stars; one submission).

Conditions:
Polycystic kidney disease, adult type (PKD1). Also called: POLYCYSTIC KIDNEY DISEASE, ADULT, TYPE I; Polycystic Kidney Disease 1, Autosomal Dominant; Polycystic kidney disease 1; Polycystic kidney disease 1, severe; Polycystic Kidney, Autosomal Dominant; POLYCYSTIC KIDNEY DISEASE 1 WITH OR WITHOUT POLYCYSTIC LIVER DISEASE. Identifiers: MedGen C3149841, MONDO:0008263, OMIM 173900.

Submission:

Dubai Health Genomic Medicine Center, Dubai Health
Classification: Pathogenic for Polycystic kidney disease 1. Last evaluated: 2024-10-04. Review status: criteria provided, single submitter. Criteria: ACMG Guidelines, 2015. Collection method: research. Allele origin: germline. Affected: yes.
Comment: PVS1,PM2,PP4